The following is an entry in ClinVar:

ClinVar aggregate classification (germline): Uncertain significance (1 of 4 stars; one submission).

Allele frequency attached by ClinVar (database versions not stated): ExAC 0.00003.
gnomAD v4.1: 5 of 1,612,682 alleles (0.00031%); highest among the groups gnomAD compares: Admixed American, 0.0084%; no homozygotes.

Submission:

Labcorp Genetics (formerly Invitae), Labcorp
Classification: Uncertain significance. Last evaluated: 2023-12-11. Review status: criteria provided, single submitter. Criteria: Invitae Variant Classification Sherloc (09022015). Collection method: clinical testing. Allele origin: germline.
Comment: This sequence change replaces isoleucine, which is neutral and non-polar, with valine, which is neutral and non-polar, at codon 159 of the FARSB protein (p.Ile159Val). This variant is present in population databases (rs745471176, gnomAD 0.009%). This variant has not been reported in the literature in individuals affected with FARSB-related conditions. ClinVar contains an entry for this variant (Variation ID: 1941196). Advanced modeling of protein sequence and biophysical properties (such as structural, functional, and spatial information, amino acid conservation, physicochemical variation, residue mobility, and thermodynamic stability) performed at Invitae indicates that this missense variant is not expected to disrupt FARSB protein function with a negative predictive value of 80%. In summary, the available evidence is currently insufficient to determine the role of this variant in disease. Therefore, it has been classified as a Variant of Uncertain Significance.

NM_005687.5(FARSB):c.475A>G (p.Ile159Val)

Gene: FARSB (phenylalanyl-tRNA synthetase subunit beta; minus strand). Cytogenetic location: 2q36.1.
Variant type: single nucleotide variant.
Coding change: c.475A>G on transcript NM_005687.5 (MANE Select); coding-DNA position 475, A replaced by G.
Protein change: p.Ile159Val; replaces isoleucine 159 with valine.
Molecular consequence: missense variant. On other transcripts: non-coding transcript variant (1).
Genome position (GRCh38, 1-based): chr2:222,634,522, T>C on the plus strand (A>G on the coding strand, the complement: FARSB is on the minus strand). VCF-style: chr2-222634522-T-C. GRCh37 (hg19) VCF-style: chr2-223499241-T-C.
Other names: short protein forms I159V.
Identifiers: ClinVar variation 1941196 (VCV001941196.5), dbSNP rs745471176, ClinGen allele CA2136645.